The following is an entry in ClinVar:

NM_001963.6(EGF):c.1095T>C (p.His365=)

Gene: EGF (epidermal growth factor; plus strand). Cytogenetic location: 4q25.
Variant type: single nucleotide variant.
Coding change: c.1095T>C on transcript NM_001963.6 (MANE Select); coding-DNA position 1095, T replaced by C.
Protein change: p.His365=; no amino-acid change (histidine 365 retained).
Molecular consequence: synonymous variant.
Genome position (GRCh38, 1-based): chr4:109,960,895, T>C. VCF-style: chr4-109960895-T-C. GRCh37 (hg19) VCF-style: chr4-110882051-T-C.
Other names: p.His365=; c.1095T>C, p.His365= (NM_001178130.3); c.969T>C, p.His323= (NM_001178131.3, NM_001357021.2).
Identifiers: ClinVar variation 347232 (VCV000347232.17), dbSNP rs11568937, ClinGen allele CA3043579.
Genomic context (GRCh38, chr4:109,960,895, plus strand): 5'-TTTGAATGTATTGTGCTGTTGTCATTGTGCAGATGTTAATGAATGTGCTTTTTGGAATCA[T>C]GGCTGTACTCTTGGGTGTAAAAACACCCCTGGATCCTATTACTGCACGTGCCCTGTAGGA-3'
Protein context (NP_001954.2, residues 355-375): EDVNECAFWN[His365=]GCTLGCKNTP

ClinVar aggregate classification (germline): Benign/Likely benign. Review status: criteria provided, multiple submitters, no conflicts (2 of 4 stars). 6 submissions from 6 submitters: Benign (5); Likely benign (1). Last evaluated 2026-02-02.

Conditions:
Renal hypomagnesemia 4. Also called: HYPOMAGNESEMIA, RENAL, NORMOCALCIURIC. Identifiers: Orphanet 34527, MedGen C2673648, MONDO:0012717, OMIM 611718.

Allele frequency attached by ClinVar (database versions not stated): 1000 Genomes Project 0.01657; gnomAD exomes 0.03220 and 0.03627; ExAC 0.03241; gnomAD 0.02456 and 0.02538; 1000 Genomes Project 30x 0.01686; TOPMed 0.02087; ESP Exome Variant Server 0.02583.
gnomAD v4.1: 56,774 of 1,613,974 alleles (3.5%); highest among the groups gnomAD compares: South Asian, 6.2%; 1,174 homozygotes.

Submissions (6):

Labcorp Genetics (formerly Invitae), Labcorp
Classification: Benign. Last evaluated: 2026-02-02. Review status: criteria provided, single submitter. Criteria: Invitae Variant Classification Sherloc (09022015). Collection method: clinical testing. Allele origin: germline.

Blueprint Genetics
Classification: Likely benign. Last evaluated: 2024-11-26. Review status: criteria provided, single submitter. Criteria: ACMG Guidelines, 2015. Collection method: clinical testing. Allele origin: germline.

Mayo Clinic Laboratories, Mayo Clinic
Classification: Benign. Last evaluated: 2022-03-09. Review status: criteria provided, single submitter. Criteria: ACMG Guidelines, 2015. Collection method: clinical testing. Allele origin: germline. Observed: 13 variant alleles.

GeneDx
Classification: Benign. Last evaluated: 2020-09-01. Review status: criteria provided, single submitter. Criteria: GeneDx Variant Classification Process June 2021. Collection method: clinical testing. Allele origin: germline. Affected: yes.

Illumina Laboratory Services, Illumina
Classification: Benign for Renal hypomagnesemia 4. Last evaluated: 2018-01-12. Review status: criteria provided, single submitter. Criteria: ICSL Variant Classification Criteria 13 December 2019. Collection method: clinical testing. Allele origin: germline.
Comment: This variant was observed in the ICSL laboratory as part of a predisposition screen in an ostensibly healthy population. It had not been previously curated by ICSL or reported in the Human Gene Mutation Database (HGMD: prior to June 1st, 2018), and was therefore a candidate for classification through an automated scoring system. Utilizing variant allele frequency, disease prevalence and penetrance estimates, and inheritance mode, an automated score was calculated to assess if this variant is too frequent to cause the disease. Based on the score and internal cut-off values, a variant classified as benign is not then subjected to further curation. The score for this variant resulted in a classification of benign for this disease.

Breakthrough Genomics
Classification: Benign. Review status: criteria provided, single submitter. Criteria: ACMG Guidelines, 2015. Collection method: not provided. Allele origin: germline. Inheritance: Autosomal recessive inheritance. Affected: yes.